The following is an entry in ClinVar:

ClinVar aggregate classification (germline): Pathogenic (1 of 4 stars; one submission).

Submission:

GeneDx
Classification: Pathogenic. Last evaluated: 2015-08-20. Review status: criteria provided, single submitter. Criteria: GeneDx Variant Classification (06012015). Collection method: clinical testing. Allele origin: germline. Affected: yes.
Comment: The G42X variant in the SATB2 gene has not been reported previously as a pathogenic variantnor as a benign polymorphism, to our knowledge. This variant is predicted to cause loss of normal protein function either through protein truncation or nonsense-mediated mRNA decay. The G42X variant was not observed in approximately 5200 individuals of European and African American ancestry in the NHLBI Exome Sequencing Project, indicating it is not a common benign variant in these populations. We interpret G42X as a pathogenic variant.

NM_001172509.2(SATB2):c.124G>T (p.Gly42Ter)

Gene: SATB2 (SATB homeobox 2; minus strand). Cytogenetic location: 2q33.1.
Variant type: single nucleotide variant.
Coding change: c.124G>T on transcript NM_001172509.2 (MANE Select); coding-DNA position 124, G replaced by T.
Protein change: p.Gly42Ter; replaces glycine 42 with a stop codon.
Molecular consequence: nonsense. On other transcripts: non-coding transcript variant (1).
Genome position (GRCh38, 1-based): chr2:199,455,914, C>A on the plus strand (G>T on the coding strand, the complement: SATB2 is on the minus strand). VCF-style: chr2-199455914-C-A. GRCh37 (hg19) VCF-style: chr2-200320637-C-A.
Other names: c.124G>T, p.Gly42Ter (NM_001172517.1, NM_015265.4); short protein forms G42*.
Identifiers: ClinVar variation 419551 (VCV000419551.2), dbSNP rs1064793947, ClinGen allele CA16617415.